The following is an entry in ClinVar:

ClinVar aggregate classification (germline): Uncertain significance (1 of 4 stars; one submission).

Submission:

Labcorp Genetics (formerly Invitae), Labcorp
Classification: Uncertain significance. Last evaluated: 2023-04-20. Review status: criteria provided, single submitter. Criteria: Invitae Variant Classification Sherloc (09022015). Collection method: clinical testing. Allele origin: unknown.
Comment: In summary, the available evidence is currently insufficient to determine the role of this variant in disease. Therefore, it has been classified as a Variant of Uncertain Significance. Experimental studies and prediction algorithms are not available or were not evaluated, and the functional significance of this variant is currently unknown. This variant has not been reported in the literature in individuals affected with POLE-related conditions. This variant results in a copy number gain of the genomic region encompassing exon(s) 1-8 of the POLE gene. This region includes the initiator codon of the gene. This copy number gain extends beyond the assayed region for this gene and therefore may encompass additional genes. As the precise location of this event is unknown, it may be in tandem or it may be located elsewhere in the genome.

NC_000012.11:g.(?_133253939)_(133263901_?)dup

Gene: POLE (DNA polymerase epsilon, catalytic subunit; minus strand). Cytogenetic location: 12q24.33.
Variant type: Duplication.
Identifiers: ClinVar variation 3244412 (VCV003244412.1).